The following is an entry in ClinVar:

NM_001367561.1(DOCK7):c.38+32G>C

Genes: DOCK7 (dedicator of cytokinesis 7; minus strand), LOC129930655 (ATAC-STARR-seq lymphoblastoid silent region 946; plus strand). Cytogenetic location: 1p31.3.
Variant type: single nucleotide variant.
Coding change: c.38+32G>C on transcript NM_001367561.1 (MANE Select); 32 bases into the intron after coding-DNA position 38, G replaced by C.
Molecular consequence: intron variant.
Genome position (GRCh38, 1-based): chr1:62,688,195, C>G on the plus strand (G>C on the coding strand, the complement: DOCK7 is on the minus strand). VCF-style: chr1-62688195-C-G. GRCh37 (hg19) VCF-style: chr1-63153866-C-G.
Other names: c.38+32G>C (NM_001272001.2, NM_001272000.2, NM_033407.4 and 3 more transcripts).
Identifiers: ClinVar variation 1266861 (VCV001266861.5), dbSNP rs183409343, ClinGen allele CA887325.

ClinVar aggregate classification (germline): Benign. Review status: criteria provided, multiple submitters, no conflicts (2 of 4 stars). 3 submissions from 3 submitters: Benign (3). Last evaluated 2024-07-15.

Allele frequency attached by ClinVar (database versions not stated): ExAC 0.07577; gnomAD exomes 0.09492; 1000 Genomes Project 0.04513; 1000 Genomes Project 30x 0.05044; TOPMed 0.07496.
gnomAD v4.1: 128,807 of 1,361,210 alleles (9.5%); highest among the groups gnomAD compares: Admixed American, 12%; 6,792 homozygotes.

Submissions (3):

Unidad de Genómica Garrahan, Hospital de Pediatría Garrahan
Classification: Benign. Last evaluated: 2024-07-15. Review status: criteria provided, single submitter. Criteria: ACMG Guidelines, 2015. Collection method: clinical testing. Allele origin: germline. Affected: no. Observed: 26 variant alleles.
Comment: This variant is classified as Benign based on local population frequency. This variant was detected in 28% of patients studied in a panel designed for Epileptic and Developmental Encephalopathy and Progressive Myoclonus Epilepsy. Number of patients: 26. Only high quality variants are reported.

GeneDx
Classification: Benign. Last evaluated: 2021-03-28. Review status: criteria provided, single submitter. Criteria: GeneDx Variant Classification Process June 2021. Collection method: clinical testing. Allele origin: germline. Affected: yes.

Breakthrough Genomics
Classification: Benign. Review status: criteria provided, single submitter. Criteria: ACMG Guidelines, 2015. Collection method: not provided. Allele origin: germline. Inheritance: Autosomal recessive inheritance. Affected: yes.